The following is an entry in ClinVar:

NM_003290.3(TPM4):c.266+9G>A

Gene: TPM4 (tropomyosin 4; plus strand). Cytogenetic location: 19p13.12.
Variant type: single nucleotide variant.
Coding change: c.266+9G>A on transcript NM_003290.3 (MANE Select); 9 bases into the intron after coding-DNA position 266, G replaced by A.
Molecular consequence: intron variant.
Genome position (GRCh38, 1-based): chr19:16,082,055, G>A. VCF-style: chr19-16082055-G-A. GRCh37 (hg19) VCF-style: chr19-16192865-G-A.
Other names: p.?; c.326+9G>A (NM_001367836.1); c.374+9G>A (NM_001145160.2); c.266+9G>A (NM_001367837.2); c.257+9G>A (NM_001367838.1).
Identifiers: ClinVar variation 4684332 (VCV004684332.1).
Genomic context (GRCh38, chr19:16,082,055, plus strand): 5'-CGGCCCTGCAGAAGCTGGAGGAGGCAGAAAAAGCTGCAGATGAGAGTGAGAGGTAAGGAC[G>A]CTTTGAATCTGGTGGCATCCGTGTTTGCTTTTAGAAAATGGGGATCATGCTGCCGACCTC-3'

ClinVar aggregate classification (germline): Likely benign (1 of 4 stars; one submission).

Submission:

Mayo Clinic Laboratories, Mayo Clinic
Classification: Likely benign. Last evaluated: 2025-01-29. Review status: criteria provided, single submitter. Criteria: ACMG Guidelines, 2015. Collection method: clinical testing. Allele origin: germline. Observed: 1 variant allele.
Comment: BS1, BP4, BP7